The following is an entry in ClinVar:

NM_002184.4(IL6ST):c.-16+1G>A

Gene: IL6ST (interleukin 6 cytokine family signal transducer; minus strand). Cytogenetic location: 5q11.2.
Variant type: single nucleotide variant.
Coding change: c.-16+1G>A on transcript NM_002184.4 (MANE Select); the canonical splice donor site of the intron after 16 bases upstream of the start codon, G replaced by A.
Molecular consequence: splice donor variant.
Genome position (GRCh38, 1-based): chr5:55,982,723, C>T on the plus strand (G>A on the coding strand, the complement: IL6ST is on the minus strand). VCF-style: chr5-55982723-C-T. GRCh37 (hg19) VCF-style: chr5-55278551-C-T.
Other names: c.-16+1G>A (NM_001364276.2, NM_175767.3, NM_001190981.2 and 1 more transcripts); c.-808+1G>A (NM_001364279.2, NM_001364277.2); c.-798+1G>A (NM_001364278.2).
Identifiers: ClinVar variation 4796647 (VCV004796647.1).

ClinVar aggregate classification (germline): Uncertain significance (1 of 4 stars; one submission).

Submission:

GeneDx
Classification: Uncertain significance. Last evaluated: 2025-08-19. Review status: criteria provided, single submitter. Criteria: GeneDx Variant Classification Process June 2021. Collection method: clinical testing. Allele origin: germline. Affected: yes.
Comment: Located in a regulatory region; in the absence of functional studies, the actual effect of this sequence change is unknown; No data available from control populations to assess the frequency of this variant; Has not been previously published as pathogenic or benign to our knowledge; In silico analysis supports a deleterious effect on splicing